The following is an entry in ClinVar:

ClinVar aggregate classification (germline): Uncertain significance (1 of 4 stars; one submission).

Conditions:
Inborn genetic diseases. Identifiers: MedGen C0950123, MeSH D030342.

Submission:

Ambry Genetics
Classification: Uncertain significance for Inborn genetic diseases. Last evaluated: 2026-02-23. Review status: criteria provided, single submitter. Criteria: Ambry Variant Classification Scheme 2023. Collection method: clinical testing. Allele origin: germline.
Comment: The p.S791T variant (also known as c.2372G>C), located in coding exon 25 of the RTEL1 gene, results from a G to C substitution at nucleotide position 2372. The serine at codon 791 is replaced by threonine, an amino acid with similar properties. This amino acid position is conserved. In addition, this alteration is predicted to be tolerated by in silico analysis. Based on the available evidence, the clinical significance of this variant remains unclear.

NM_001283009.2(RTEL1):c.2372G>C (p.Ser791Thr)

Genes: RTEL1 (regulator of telomere elongation helicase 1; plus strand), RTEL1-TNFRSF6B (RTEL1-TNFRSF6B readthrough (NMD candidate); plus strand). Cytogenetic location: 20q13.33.
Variant type: single nucleotide variant.
Coding change: c.2372G>C on transcript NM_001283009.2 (MANE Select); coding-DNA position 2372, G replaced by C.
Protein change: p.Ser791Thr; replaces serine 791 with threonine.
Molecular consequence: missense variant. On other transcripts: non-coding transcript variant (1).
Genome position (GRCh38, 1-based): chr20:63,690,400, G>C. VCF-style: chr20-63690400-G-C. GRCh37 (hg19) VCF-style: chr20-62321753-G-C.
Other names: c.1703G>C, p.Ser568Thr (NM_001283010.1); c.2372G>C, p.Ser791Thr (NM_016434.4); c.2444G>C, p.Ser815Thr (NM_032957.5); short protein forms S815T, S568T, S791T.
Identifiers: ClinVar variation 4827698 (VCV004827698.1).